The following is an entry in ClinVar:

NM_013275.6(ANKRD11):c.4237G>A (p.Glu1413Lys)

Gene: ANKRD11 (ankyrin repeat domain 11; minus strand). Cytogenetic location: 16q24.3.
Variant type: single nucleotide variant.
Coding change: c.4237G>A on transcript NM_013275.6 (MANE Select); coding-DNA position 4237, G replaced by A.
Protein change: p.Glu1413Lys; replaces glutamic acid 1413 with lysine.
Molecular consequence: missense variant.
Genome position (GRCh38, 1-based): chr16:89,282,305, C>T on the plus strand (G>A on the coding strand, the complement: ANKRD11 is on the minus strand). VCF-style: chr16-89282305-C-T. GRCh37 (hg19) VCF-style: chr16-89348713-C-T.
Other names: c.4237G>A, p.Glu1413Lys (NM_001256182.2, NM_001256183.2); short protein forms E1413K.
Identifiers: ClinVar variation 446079 (VCV000446079.23), dbSNP rs140373729, ClinGen allele CA8242175.

ClinVar aggregate classification (germline): Benign/Likely benign. Review status: criteria provided, multiple submitters, no conflicts (2 of 4 stars). 9 submissions from 9 submitters: Benign (2); Likely benign (6). 1 of the submissions does not count toward it. Last evaluated 2026-08-01.

Conditions:
ANKRD11-related disorder. Also called: ANKRD11-related condition.
Inborn genetic diseases. Identifiers: MedGen C0950123, MeSH D030342.
KBG syndrome (KBGS). Also called: ANKRD11-Related KBG Syndrome. Identifiers: Orphanet 2332, MedGen C0220687, MONDO:0007846, OMIM 148050.

Allele frequency attached by ClinVar (database versions not stated): ESP Exome Variant Server 0.00054; gnomAD exomes 0.00089 and 0.00051; 1000 Genomes Project 0.00020; 1000 Genomes Project 30x 0.00031; ExAC 0.00040; gnomAD 0.00045 and 0.00048; TOPMed 0.00052.
gnomAD v4.1: 1,382 of 1,614,190 alleles (0.086%); highest among the groups gnomAD compares: Non-Finnish European, 0.11%; 1 homozygote.

Submissions (9):

CeGaT Center for Human Genetics Tuebingen
Classification: Likely benign. Last evaluated: 2026-08-01. Review status: criteria provided, single submitter. Criteria: CeGaT Center For Human Genetics Tuebingen Variant Classification Criteria Version 2. Collection method: clinical testing. Allele origin: germline. Affected: yes. Observed: 1 variant allele.
Comment: ANKRD11: BP4, BS1

Women's Health and Genetics/Laboratory Corporation of America, LabCorp
Classification: Likely benign. Last evaluated: 2026-05-21. Review status: criteria provided, single submitter. Criteria: LabCorp Variant Classification Summary - May 2015. Collection method: clinical testing. Allele origin: germline.
Comment: Variant summary: ANKRD11 c.4237G>A (p.Glu1413Lys) results in a conservative amino acid change in the encoded protein sequence. Algorithms developed to predict the effect of missense changes on protein structure and function are either unavailable or do not agree on the potential impact of this missense change. The variant allele was found at a frequency of 0.00051 in 251470 control chromosomes. The observed variant frequency exceeds the estimated maximal expected allele frequency for disease-causing variants in ANKRD11. To our knowledge, no occurrence of c.4237G>A in individuals affected with ANKRD11-related conditions and no experimental evidence demonstrating its impact on protein function have been reported. ClinVar contains an entry for this variant (Variation ID: 446079). Based on the evidence outlined above, the variant was classified as likely benign.

Labcorp Genetics (formerly Invitae), Labcorp
Classification: Likely benign for KBG syndrome. Last evaluated: 2025-10-09. Review status: criteria provided, single submitter. Criteria: Invitae Variant Classification Sherloc (09022015). Collection method: clinical testing. Allele origin: germline.

Blueprint Genetics
Classification: Likely benign. Last evaluated: 2024-11-15. Review status: criteria provided, single submitter. Criteria: ACMG Guidelines, 2015. Collection method: clinical testing. Allele origin: germline.

Genome-Nilou Lab
Classification: Benign for KBG syndrome. Last evaluated: 2021-12-05. Review status: criteria provided, single submitter. Criteria: ACMG Guidelines, 2015. Collection method: clinical testing. Allele origin: germline. Affected: no.

Ambry Genetics
Classification: Likely benign for Inborn genetic diseases. Last evaluated: 2021-07-15. Review status: criteria provided, single submitter. Criteria: Ambry Variant Classification Scheme 2023. Collection method: clinical testing. Allele origin: germline.

GeneDx
Classification: Benign. Last evaluated: 2021-01-15. Review status: criteria provided, single submitter. Criteria: GeneDx Variant Classification Process June 2021. Collection method: clinical testing. Allele origin: germline. Affected: yes.

Center for Pediatric Genomic Medicine, Children's Mercy Hospital and Clinics
Classification: Likely benign. Last evaluated: 2017-08-22. Review status: criteria provided, single submitter. Criteria: ACMG Guidelines, 2015. Collection method: clinical testing. Allele origin: germline.

PreventionGenetics, part of Exact Sciences
Classification: Likely benign for ANKRD11-related condition. Last evaluated: 2024-01-20. Review status: no assertion criteria provided. Collection method: clinical testing. Allele origin: germline. Not counted in ClinVar's aggregate classification.
Comment: This variant is classified as likely benign based on ACMG/AMP sequence variant interpretation guidelines (Richards et al. 2015 PMID: 25741868, with internal and published modifications).